The following is an entry in ClinVar:

NM_001267550.2(TTN):c.102520G>A (p.Val34174Ile)

Genes: TTN-AS1 (TTN antisense RNA 1; plus strand), TTN (titin; minus strand). Cytogenetic location: 2q31.2.
Variant type: single nucleotide variant.
Coding change: c.102520G>A on transcript NM_001267550.2 (MANE Select); coding-DNA position 102520, G replaced by A.
Protein change: p.Val34174Ile; replaces valine 34174 with isoleucine.
Molecular consequence: missense variant.
Genome position (GRCh38, 1-based): chr2:178,534,095, C>T on the plus strand (G>A on the coding strand, the complement: TTN is on the minus strand). VCF-style: chr2-178534095-C-T. GRCh37 (hg19) VCF-style: chr2-179398822-C-T.
Other names: c.75325G>A, p.Val25109Ile (NM_003319.4); c.75700G>A, p.Val25234Ile (NM_133432.3); c.75901G>A, p.Val25301Ile (NM_133437.4); c.97597G>A, p.Val32533Ile (NM_001256850.1); c.94816G>A, p.Val31606Ile (NM_133378.4); short protein forms V31606I, V34174I, V25109I, V25301I, V32533I, V25234I.
Identifiers: ClinVar variation 178156 (VCV000178156.49), dbSNP rs200430493, ClinGen allele CA181577.

ClinVar aggregate classification (germline): Conflicting classifications of pathogenicity. Review status: criteria provided, conflicting classifications (1 of 4 stars). 11 submissions from 11 submitters: Uncertain significance (5); Likely benign (6). Last evaluated 2025-10-17.

Conditions:
Cardiovascular phenotype. Identifiers: MedGen CN230736.
TTN-related disorder. Also called: TTN-related disorders; TTN-related condition; TTN-related disease.
Dilated cardiomyopathy 1G (CMD1G). Identifiers: Orphanet 154, MedGen C1858763, MONDO:0011400, OMIM 604145.
Autosomal recessive limb-girdle muscular dystrophy type 2J (LGMDR10). Also called: Limb-girdle muscular dystrophy, type 2J; MUSCULAR DYSTROPHY, LIMB-GIRDLE, AUTOSOMAL RECESSIVE 10. Identifiers: Orphanet 140922, MedGen C1837342, MONDO:0012127, OMIM 608807.

Allele frequency attached by ClinVar (database versions not stated): gnomAD exomes 0.00007 and 0.00008; ExAC 0.00010; gnomAD 0.00018 and 0.00020; TOPMed 0.00019; ESP Exome Variant Server 0.00033.
gnomAD v4.1: 134 of 1,613,818 alleles (0.0083%); highest among the groups gnomAD compares: African/African-American, 0.032%; no homozygotes.

Submissions (11):

PreventionGenetics, part of Exact Sciences
Classification: Uncertain significance for TTN-related condition. Last evaluated: 2025-10-17. Review status: criteria provided, single submitter. Criteria: ACMG Guidelines, 2015. Collection method: clinical testing. Allele origin: germline.
Comment: The TTN c.102520G>A variant is predicted to result in the amino acid substitution p.Val34174Ile. To our knowledge, this variant has not been reported in the literature. This variant is reported in 0.041% of alleles in individuals of African descent in gnomAD. At this time, the clinical significance of this variant is uncertain due to the absence of conclusive functional and genetic evidence.

Molecular Diagnostic Laboratory for Inherited Cardiovascular Disease, Montreal Heart Institute
Classification: Likely benign. Last evaluated: 2025-04-09. Review status: criteria provided, single submitter. Criteria: ACMG Guidelines, 2015. Collection method: clinical testing. Allele origin: germline. Affected: no.
Comment: BP1;BP6

CeGaT Center for Human Genetics Tuebingen
Classification: Likely benign. Last evaluated: 2025-03-01. Review status: criteria provided, single submitter. Criteria: CeGaT Center For Human Genetics Tuebingen Variant Classification Criteria Version 2. Collection method: clinical testing. Allele origin: germline. Affected: yes. Observed: 1 variant allele.
Comment: TTN: BP4

ARUP Laboratories, Molecular Genetics and Genomics, ARUP Laboratories
Classification: Uncertain significance. Last evaluated: 2025-02-27. Review status: criteria provided, single submitter. Criteria: ARUP Molecular Germline Variant Investigation Process 2024. Collection method: clinical testing. Allele origin: germline.
Comment: The TTN c.102520G>A; p.Val34174Ile variant (rs200430493; ClinVar Variation ID: 178156) is rare in the general population (<0.2% allele frequency in the Genome Aggregation Database) and has not been reported in the medical literature in association with dilated cardiomyopathy (DCM) or other TTN-related disease. The clinical relevance of rare missense variants in this gene, which are identified on average once per individual sequenced in affected populations (Herman 2012), is not well understood. Yet, evidence suggests that the vast majority of such missense variants do not contribute to the clinical outcome of DCM (Begay 2015). Thus, the clinical significance of the p.Val34174Ile variant cannot be determined with certainty. References: Begay RL et al. Role of Titin Missense Variants in Dilated Cardiomyopathy. J Am Heart Assoc. 2015 Nov 13;4(11). PMID: 26567375. Herman DS et al. Truncations of titin causing dilated cardiomyopathy. N Engl J Med. 2012 Feb 16;366(7):619-28. PMID: 22335739. Linke WA and Hamdani N. Gigantic business: titin properties and function through thick and thin. Circ Res 2014; 114(6): 1052-1068. PMID: 24625729.

Blueprint Genetics
Classification: Likely benign. Last evaluated: 2022-12-02. Review status: criteria provided, single submitter. Criteria: ACMG Guidelines, 2015. Collection method: clinical testing. Allele origin: germline.

GeneDx
Classification: Likely benign. Last evaluated: 2021-05-17. Review status: criteria provided, single submitter. Criteria: GeneDx Variant Classification Process June 2021. Collection method: clinical testing. Allele origin: germline. Affected: yes.

Ambry Genetics
Classification: Likely benign for Cardiovascular phenotype. Last evaluated: 2019-08-30. Review status: criteria provided, single submitter. Criteria: Ambry Variant Classification Scheme 2023. Collection method: clinical testing. Allele origin: germline.

Eurofins Ntd Llc (ga)
Classification: Uncertain significance. Last evaluated: 2018-02-26. Review status: criteria provided, single submitter. Criteria: EGL ClinVar v180209 classification definitions. Collection method: clinical testing. Allele origin: germline. Observed: 1 variant allele, 1 heterozygote.

Labcorp Genetics (formerly Invitae), Labcorp
Classification: Uncertain significance for Dilated cardiomyopathy 1G; Autosomal recessive limb-girdle muscular dystrophy type 2J. Last evaluated: 2017-05-16. Review status: criteria provided, single submitter. Criteria: Invitae Variant Classification Sherloc (09022015). Collection method: clinical testing. Allele origin: germline.

Genetic Services Laboratory, University of Chicago
Classification: Uncertain significance. Last evaluated: 2014-10-31. Review status: criteria provided, single submitter. Criteria: ACMG Guidelines, 2015. Collection method: clinical testing. Allele origin: germline.

Laboratory for Molecular Medicine, Mass General Brigham Personalized Medicine
Classification: Likely benign. Last evaluated: 2014-10-24. Review status: criteria provided, single submitter. Criteria: LMM Criteria. Collection method: clinical testing. Allele origin: germline. Observed: 1 variant allele.
Comment: p.Val31606Ile in exon 307 of TTN: This variant is not expected to have clinical significance due to a lack of evolutionary conservation. Of note, 4 mammals (gib bon, opossum, Tasmanian devil, and platypus) as well as several reptiles and fro g have an isoleucine (Ile) at this position despite high nearby amino acid conse rvation. It has also been identified in 1/8290 European American chromosomes and in 3/3904 African American chromosomes by the NHLBI Exome Sequencing Project (dbSNP rs200430493).